The following is an entry in ClinVar:

ClinVar aggregate classification (germline): Likely benign (1 of 4 stars; one submission).

Conditions:
ZBTB7A-related disorder. Also called: ZBTB7A-related condition.

Submission:

PreventionGenetics, part of Exact Sciences
Classification: Likely benign for ZBTB7A-related condition. Last evaluated: 2025-11-04. Review status: criteria provided, single submitter. Criteria: ACMG Guidelines, 2015. Collection method: clinical testing. Allele origin: germline.
Comment: This variant is classified as likely benign based on ACMG/AMP sequence variant interpretation guidelines (Richards et al. 2015 PMID: 25741868, with internal and published modifications).

NM_015898.4(ZBTB7A):c.9C>A (p.Gly3=)

Gene: ZBTB7A (zinc finger and BTB domain containing 7A; minus strand). Cytogenetic location: 19p13.3.
Variant type: single nucleotide variant.
Coding change: c.9C>A on transcript NM_015898.4 (MANE Select); coding-DNA position 9, C replaced by A.
Protein change: p.Gly3=; no amino-acid change (glycine 3 retained).
Molecular consequence: synonymous variant.
Genome position (GRCh38, 1-based): chr19:4,055,224, G>T on the plus strand (C>A on the coding strand, the complement: ZBTB7A is on the minus strand). VCF-style: chr19-4055224-G-T. GRCh37 (hg19) VCF-style: chr19-4055222-G-T.
Other names: c.9C>A, p.Gly3= (NM_001317990.2).
Identifiers: ClinVar variation 4993608 (VCV004993608.1).